The following is an entry in ClinVar:

ClinVar aggregate classification (germline): Likely pathogenic (1 of 4 stars; one submission).

Submission:

Labcorp Genetics (formerly Invitae), Labcorp
Classification: Likely pathogenic. Last evaluated: 2022-10-25. Review status: criteria provided, single submitter. Criteria: Invitae Variant Classification Sherloc (09022015). Collection method: clinical testing. Allele origin: germline.
Comment: This missense change has been observed in individual(s) with COL4A5-related conditions (Invitae). This variant is not present in population databases (gnomAD no frequency). This sequence change replaces glycine, which is neutral and non-polar, with cysteine, which is neutral and slightly polar, at codon 696 of the COL4A5 protein (p.Gly696Cys). Advanced modeling of protein sequence and biophysical properties (such as structural, functional, and spatial information, amino acid conservation, physicochemical variation, residue mobility, and thermodynamic stability) performed at Invitae indicates that this missense variant is expected to disrupt COL4A5 protein function. In summary, the currently available evidence indicates that the variant is pathogenic, but additional data are needed to prove that conclusively. Therefore, this variant has been classified as Likely Pathogenic. This variant disrupts the p.Gly696 amino acid residue in COL4A5. Other variant(s) that disrupt this residue have been observed in individuals with COL4A5-related conditions (PMID: 29270492), which suggests that this may be a clinically significant amino acid residue. This variant disrupts the triple helix domain of COL4A5. Glycine residues within the Gly-Xaa-Yaa repeats of the triple helix domain are required for the structure and stability of fibrillar collagens (PMID: 7695699, 8218237, 19344236). In COL4A5, missense variants at these glycine residues are significantly enriched in individuals with disease (PMID: 23720012, 27627812) compared to the general population (ExAC).

Literature cited by the submitters: PubMed 29270492; PubMed 7695699; PubMed 8218237; PubMed 19344236; PubMed 23720012; PubMed 27627812.

NM_033380.3(COL4A5):c.2086G>T (p.Gly696Cys)

Gene: COL4A5 (collagen type IV alpha 5 chain; plus strand). Cytogenetic location: Xq22.3.
Variant type: single nucleotide variant.
Coding change: c.2086G>T on transcript NM_033380.3 (MANE Select); coding-DNA position 2086, G replaced by T.
Protein change: p.Gly696Cys; replaces glycine 696 with cysteine.
Molecular consequence: missense variant.
Genome position (GRCh38, 1-based): chrX:108,601,929, G>T. VCF-style: chrX-108601929-G-T. GRCh37 (hg19) VCF-style: chrX-107845159-G-T.
Other names: c.2086G>T, p.Gly696Cys (NM_000495.5); short protein forms G696C.
Identifiers: ClinVar variation 2129081 (VCV002129081.4), dbSNP rs2147820987, ClinGen allele CA413846981.